The following is an entry in ClinVar:

ClinVar aggregate classification (germline): Uncertain significance (1 of 4 stars; one submission).

Conditions:
Familial adenomatous polyposis 1 (FAP1). Also called: FAMILIAL ADENOMATOUS POLYPOSIS 1, ATTENUATED; POLYPOSIS, ADENOMATOUS INTESTINAL. Identifiers: MedGen C2713442, MONDO:0021056, OMIM 175100. Disease mechanism: loss of function.

Submission:

Labcorp Genetics (formerly Invitae), Labcorp
Classification: Uncertain significance for Familial adenomatous polyposis 1. Last evaluated: 2023-05-11. Review status: criteria provided, single submitter. Criteria: Invitae Variant Classification Sherloc (09022015). Collection method: clinical testing. Allele origin: germline.
Comment: This sequence change replaces threonine, which is neutral and polar, with isoleucine, which is neutral and non-polar, at codon 1293 of the APC protein (p.Thr1293Ile). This variant is not present in population databases (gnomAD no frequency). This variant has not been reported in the literature in individuals affected with APC-related conditions. Advanced modeling of protein sequence and biophysical properties (such as structural, functional, and spatial information, amino acid conservation, physicochemical variation, residue mobility, and thermodynamic stability) performed at Invitae indicates that this missense variant is not expected to disrupt APC protein function. In summary, the available evidence is currently insufficient to determine the role of this variant in disease. Therefore, it has been classified as a Variant of Uncertain Significance.

NM_000038.6(APC):c.3878C>T (p.Thr1293Ile)

Gene: APC (APC regulator of Wnt signaling pathway; plus strand). Cytogenetic location: 5q22.2.
Variant type: single nucleotide variant.
Coding change: c.3878C>T on transcript NM_000038.6 (MANE Select); coding-DNA position 3878, C replaced by T.
Protein change: p.Thr1293Ile; replaces threonine 1293 with isoleucine.
Molecular consequence: missense variant. On other transcripts: non-coding transcript variant (2).
Genome position (GRCh38, 1-based): chr5:112,839,472, C>T. VCF-style: chr5-112839472-C-T. GRCh37 (hg19) VCF-style: chr5-112175169-C-T.
Other names: c.3878C>T, p.Thr1293Ile (NM_001127510.3, NM_001354895.2, NM_001407450.1); c.3824C>T, p.Thr1275Ile (NM_001127511.3); c.3932C>T, p.Thr1311Ile (NM_001354896.2, NM_001407447.1, NM_001407448.1 and 1 more transcripts); c.3908C>T, p.Thr1303Ile (NM_001354897.2); c.3803C>T, p.Thr1268Ile (NM_001354898.2); c.3794C>T, p.Thr1265Ile (NM_001354899.2); c.3755C>T, p.Thr1252Ile (NM_001354900.2); c.3701C>T, p.Thr1234Ile (NM_001354901.2, NM_001407453.1); and 11 more; short protein forms T1167I, T1210I, T1252I, T1283I, T1293I, T1303I, T1164I, T1202I.
Identifiers: ClinVar variation 2863373 (VCV002863373.3), dbSNP rs2149901108, ClinGen allele CA16029843.